The following is an entry in ClinVar:

NM_003105.6(SORL1):c.3501C>G (p.Ser1167=)

Gene: SORL1 (sortilin related receptor 1; plus strand). Cytogenetic location: 11q24.1.
Variant type: single nucleotide variant.
Coding change: c.3501C>G on transcript NM_003105.6 (MANE Select); coding-DNA position 3501, C replaced by G.
Protein change: p.Ser1167=; no amino-acid change (serine 1167 retained).
Molecular consequence: synonymous variant.
Genome position (GRCh38, 1-based): chr11:121,577,321, C>G. VCF-style: chr11-121577321-C-G. GRCh37 (hg19) VCF-style: chr11-121448030-C-G.
Other names: c.3501C>G (NM_003105.5).
Identifiers: ClinVar variation 1588511 (VCV001588511.10), dbSNP rs151312897, ClinGen allele CA6329289.

ClinVar aggregate classification (germline): Likely benign. Review status: criteria provided, single submitter (1 of 4 stars). 2 submissions from 2 submitters: Likely benign (1). 1 of the submissions does not count toward it. Last evaluated 2025-06-12.

Conditions:
SORL1-related disorder. Also called: SORL1-related condition.

Allele frequency attached by ClinVar (database versions not stated): ESP Exome Variant Server 0.00023.

Submissions (2):

Labcorp Genetics (formerly Invitae), Labcorp
Classification: Likely benign. Last evaluated: 2025-06-12. Review status: criteria provided, single submitter. Criteria: Invitae Variant Classification Sherloc (09022015). Collection method: clinical testing. Allele origin: germline.

PreventionGenetics, part of Exact Sciences
Classification: Likely benign for SORL1-related condition. Last evaluated: 2020-01-10. Review status: no assertion criteria provided. Collection method: clinical testing. Allele origin: germline. Not counted in ClinVar's aggregate classification.
Comment: This variant is classified as likely benign based on ACMG/AMP sequence variant interpretation guidelines (Richards et al. 2015 PMID: 25741868, with internal and published modifications).